The following is an entry in ClinVar:

ClinVar aggregate classification (germline): Uncertain significance (1 of 4 stars; one submission).

Conditions:
Hereditary motor and sensory neuropathy, Okinawa type (HMSNO). Also called: HEREDITARY MOTOR AND SENSORY NEUROPATHY, PROXIMAL TYPE. Identifiers: Orphanet 90117, MedGen C1858338, MONDO:0011468, OMIM 604484.
Hereditary spastic paraplegia 57. Also called: Spastic paraplegia 57, autosomal recessive. Identifiers: Orphanet 431329, MedGen C3714897, MONDO:0014295, OMIM 615658.

Allele frequency attached by ClinVar (database versions not stated): gnomAD 0.00001; gnomAD exomes 0.00001; ExAC 0.00002.
gnomAD v4.1: 9 of 1,612,494 alleles (0.00056%); highest among the groups gnomAD compares: Non-Finnish European, 0.00076%; no homozygotes.

Submission:

Labcorp Genetics (formerly Invitae), Labcorp
Classification: Uncertain significance for Hereditary motor and sensory neuropathy, Okinawa type; Hereditary spastic paraplegia 57. Last evaluated: 2020-09-17. Review status: criteria provided, single submitter. Criteria: Invitae Variant Classification Sherloc (09022015). Collection method: clinical testing. Allele origin: germline.
Comment: In summary, the available evidence is currently insufficient to determine the role of this variant in disease. Therefore, it has been classified as a Variant of Uncertain Significance. Algorithms developed to predict the effect of missense changes on protein structure and function are either unavailable or do not agree on the potential impact of this missense change (SIFT: "Deleterious"; PolyPhen-2: "Possibly Damaging"; Align-GVGD: "Class C0"). This variant has not been reported in the literature in individuals with TFG-related conditions. This variant is present in population databases (rs775354552, ExAC 0.004%). This sequence change replaces serine with phenylalanine at codon 153 of the TFG protein (p.Ser153Phe). The serine residue is moderately conserved and there is a large physicochemical difference between serine and phenylalanine.

NM_006070.6(TFG):c.458C>T (p.Ser153Phe)

Gene: TFG (trafficking from ER to golgi regulator; plus strand). Cytogenetic location: 3q12.2.
Variant type: single nucleotide variant.
Coding change: c.458C>T on transcript NM_006070.6 (MANE Select); coding-DNA position 458, C replaced by T.
Protein change: p.Ser153Phe; replaces serine 153 with phenylalanine.
Molecular consequence: missense variant.
Genome position (GRCh38, 1-based): chr3:100,732,550, C>T. VCF-style: chr3-100732550-C-T. GRCh37 (hg19) VCF-style: chr3-100451394-C-T.
Other names: c.458C>T, p.Ser153Phe (NM_001007565.2, NM_001195478.2, NM_001195479.2); short protein forms S153F.
Identifiers: ClinVar variation 646590 (VCV000646590.8), dbSNP rs775354552, ClinGen allele CA2517090.